The following is an entry in ClinVar:

NM_014425.5(INVS):c.96G>A (p.Arg32=)

Gene: INVS (inversin; plus strand). Cytogenetic location: 9q31.1.
Variant type: single nucleotide variant.
Coding change: c.96G>A on transcript NM_014425.5 (MANE Select); coding-DNA position 96, G replaced by A.
Protein change: p.Arg32=; no amino-acid change (arginine 32 retained).
Molecular consequence: synonymous variant. On other transcripts: 5 prime UTR variant (2), non-coding transcript variant (1).
Genome position (GRCh38, 1-based): chr9:100,104,617, G>A. VCF-style: chr9-100104617-G-A. GRCh37 (hg19) VCF-style: chr9-102866899-G-A.
Other names: c.96G>A (NM_014425.4); c.-281G>A (NM_001318381.2); c.-894G>A (NM_001318382.2).
Identifiers: ClinVar variation 704514 (VCV000704514.9), dbSNP rs1588000254, ClinGen allele CA466552439.

ClinVar aggregate classification (germline): Likely benign. Review status: criteria provided, multiple submitters, no conflicts (2 of 4 stars). 3 submissions from 3 submitters: Likely benign (2). 1 of the submissions does not count toward it. Last evaluated 2024-09-27.

Conditions:
INVS-related disorder. Also called: INVS-related condition.
Nephronophthisis. Also called: Juvenile Nephronophthisis. Identifiers: Orphanet 655, MedGen C0687120, MONDO:0019005, HP:0000090.

Allele frequency attached by ClinVar (database versions not stated): gnomAD exomes below 0.00001; TOPMed below 0.00001.
gnomAD v4.1: 2 of 1,611,538 alleles (0.00012%); highest among the groups gnomAD compares: Non-Finnish European, 0.000085%; no homozygotes.

Submissions (3):

Labcorp Genetics (formerly Invitae), Labcorp
Classification: Likely benign for Nephronophthisis. Last evaluated: 2024-09-27. Review status: criteria provided, single submitter. Criteria: Invitae Variant Classification Sherloc (09022015). Collection method: clinical testing. Allele origin: germline.

Blueprint Genetics
Classification: Likely benign. Last evaluated: 2021-09-23. Review status: criteria provided, single submitter. Criteria: ACMG Guidelines, 2015. Collection method: clinical testing. Allele origin: germline.

PreventionGenetics, part of Exact Sciences
Classification: Likely benign for INVS-related condition. Last evaluated: 2022-02-22. Review status: no assertion criteria provided. Collection method: clinical testing. Allele origin: germline. Not counted in ClinVar's aggregate classification.
Comment: This variant is classified as likely benign based on ACMG/AMP sequence variant interpretation guidelines (Richards et al. 2015 PMID: 25741868, with internal and published modifications).